The following is an entry in ClinVar:

ClinVar aggregate classification (germline): Conflicting classifications of pathogenicity. Review status: criteria provided, conflicting classifications (1 of 4 stars). 3 submissions from 3 submitters: Likely pathogenic (1); Uncertain significance (1). 1 of the submissions does not count toward it. Last evaluated 2024-11-15.

Conditions:
Familial cold autoinflammatory syndrome 2 (FCAS2). Identifiers: Orphanet 247868, MedGen C2673198, MONDO:0012724, OMIM 611762.
NLRP12-related disorder. Also called: NLRP12-related condition; NLRP12-related conditions.

Submissions (3):

Labcorp Genetics (formerly Invitae), Labcorp
Classification: Uncertain significance for Familial cold autoinflammatory syndrome 2. Last evaluated: 2024-11-15. Review status: criteria provided, single submitter. Criteria: Invitae Variant Classification Sherloc (09022015). Collection method: clinical testing. Allele origin: germline.
Comment: This sequence change creates a premature translational stop signal (p.Leu423Alafs*55) in the NLRP12 gene. It is expected to result in an absent or disrupted protein product. However, the current clinical and genetic evidence is not sufficient to establish whether loss-of-function variants in NLRP12 cause disease. This variant is present in population databases (rs752493616, gnomAD 0.01%). This variant has not been reported in the literature in individuals affected with NLRP12-related conditions. ClinVar contains an entry for this variant (Variation ID: 2889766). In summary, the available evidence is currently insufficient to determine the role of this variant in disease. Therefore, it has been classified as a Variant of Uncertain Significance.

CeGaT Center for Human Genetics Tuebingen
Classification: Likely pathogenic. Last evaluated: 2023-12-01. Review status: criteria provided, single submitter. Criteria: CeGaT Center For Human Genetics Tuebingen Variant Classification Criteria Version 2. Collection method: clinical testing. Allele origin: germline. Affected: yes. Observed: 1 variant allele.
Comment: NLRP12: PVS1, PM2:Supporting

PreventionGenetics, part of Exact Sciences
Classification: Likely pathogenic for NLRP12-related condition. Last evaluated: 2024-08-12. Review status: no assertion criteria provided. Collection method: clinical testing. Allele origin: germline. Not counted in ClinVar's aggregate classification.
Comment: The NLRP12 c.1266dupG variant is predicted to result in a frameshift and premature protein termination (p.Leu423Alafs*55). To our knowledge, this variant has not been reported in the literature. This variant is reported in 0.012% of alleles in individuals of African descent in gnomAD. Frameshift variants in NLRP12 are expected to be pathogenic. This variant is interpreted as likely pathogenic.

NM_144687.4(NLRP12):c.1266dup (p.Leu423fs)

Gene: NLRP12 (NLR family pyrin domain containing 12; minus strand). Cytogenetic location: 19q13.42.
Variant type: Duplication.
Coding change: c.1266dup on transcript NM_144687.4 (MANE Select); coding-DNA position 1266, one base duplicated (G; older notation c.1266dupG).
Protein change: p.Leu423fs; shifts the reading frame from leucine 423.
Molecular consequence: frameshift variant.
Genome position (GRCh38, 1-based): chr19:53,810,393, C duplicated on the plus strand (G on the coding strand, the reverse complement: NLRP12 is on the minus strand); the first of 6 consecutive C bases (chr19:53,810,393-53,810,398); duplicating any one gives the same sequence. VCF-style (leftmost placement, unchanged base first): chr19-53810392-G-GC. GRCh37 (hg19) VCF-style: chr19-54313646-G-GC.
Other names: c.1266dupG (NM_144687.3); c.1266dup, p.Leu423fs (NM_001277126.2, NM_001277129.1); short protein forms L423fs.
Identifiers: ClinVar variation 2889766 (VCV002889766.25), dbSNP rs752493616, ClinGen allele CA9639473.